The following continues an entry in ClinVar:

NM_000110.4(DPYD):c.1905+1G>A

Gene: DPYD. ClinVar aggregate classification (germline): drug response. drug response (4).

Submissions 68 to 70 of 70:

Dr. Peter K. Rogan Lab, Western University
No classification provided (evidence only). Condition: Sarcoma. Review status: no classification provided. Collection method: in vitro. Allele origin: not applicable. Functional consequence: skipped exon. Not counted in ClinVar's aggregate classification.

Labcorp Genetics (formerly Invitae), Labcorp
Classification: Benign. Last evaluated: 2024-10-23. Review status: flagged submission. Criteria: Invitae Variant Classification Sherloc (09022015). Collection method: clinical testing. Allele origin: germline. Not counted in ClinVar's aggregate classification.
ClinVar note: Reason: Outlier claim with insufficient supporting evidence

Department of Genetics, Reproduction and Fetal Medicine., Institute of Biomedicine of Seville (IBIS), University Hospital Virgen del Rocío/CSIC/University of Seville.
Classification: Uncertain significance for Hirschsprung disease 1. Last evaluated: 2015-04-01. Review status: flagged submission. Collection method: research. Allele origin: germline. Affected: yes. Not counted in ClinVar's aggregate classification.
ClinVar note: Reason: Older and outlier claim with insufficient supporting evidence

Literature cited by the submitters: PubMed 11156223 (cited by ClinPGx and Athena Diagnostics); PubMed 11350878 (cited by ClinPGx and Athena Diagnostics); PubMed 11555601 (cited by ClinPGx and Athena Diagnostics); PubMed 11953843 (cited by ClinPGx and Athena Diagnostics); PubMed 12209976 (cited by ClinPGx and Athena Diagnostics); PubMed 12360106 (cited by 3 submitters); PubMed 15017333 (cited by ClinPGx and Athena Diagnostics); PubMed 16361556 (cited by ClinPGx); PubMed 17064846 (cited by ClinPGx and Athena Diagnostics); PubMed 17121937 (cited by 3 submitters); PubMed 17165084 (cited by ClinPGx and Athena Diagnostics); PubMed 17335544 (cited by 3 submitters); PubMed 17700593 (cited by ClinPGx and Athena Diagnostics); PubMed 18299612 (cited by ClinPGx); PubMed 18443386 (cited by ClinPGx and Athena Diagnostics); PubMed 19104657 (cited by ClinPGx and Athena Diagnostics); PubMed 19473056 (cited by ClinPGx); PubMed 19530960 (cited by ClinPGx); PubMed 19795123 (cited by ClinPGx); PubMed 19858398 (cited by ClinPGx and Athena Diagnostics); PubMed 20385995 (cited by ClinPGx and Athena Diagnostics); PubMed 20803296 (cited by ClinPGx); PubMed 20809970 (cited by ClinPGx); PubMed 20819423 (cited by ClinPGx); PubMed 23481061 (cited by ClinPGx and Athena Diagnostics); PubMed 23585145 (cited by ClinPGx and Athena Diagnostics); PubMed 23603345 (cited by ClinPGx and Athena Diagnostics); PubMed 23736036 (cited by ClinPGx and Athena Diagnostics); PubMed 23930673 (cited by ClinPGx and Athena Diagnostics); PubMed 24167597 (cited by ClinPGx and Athena Diagnostics); PubMed 24700034 (cited by ClinPGx and Athena Diagnostics); PubMed 24817302 (cited by ClinPGx and Athena Diagnostics); PubMed 24923815 (cited by ClinPGx and Athena Diagnostics); PubMed 25381393 (cited by ClinPGx and Athena Diagnostics); PubMed 26099996 (cited by ClinPGx and Athena Diagnostics); PubMed 26603945 (cited by ClinPGx and Athena Diagnostics); PubMed 26794347 (cited by ClinPGx and Athena Diagnostics); PubMed 26846104 (cited by ClinPGx and Athena Diagnostics); PubMed 26967565 (cited by ClinPGx and Athena Diagnostics); PubMed 27738344 (cited by ClinPGx and Athena Diagnostics); PubMed 29065426 (cited by ClinPGx and Athena Diagnostics); PubMed 29134491 (cited by ClinPGx); PubMed 29998006 (cited by ClinPGx); PubMed 30114658 (cited by ClinPGx); PubMed 30485432 (cited by ClinPGx); PubMed 30723313 (cited by ClinPGx); PubMed 30775324 (cited by ClinPGx); PubMed 30898145 (cited by ClinPGx); PubMed 8698850 (cited by 5 submitters); PubMed 9439663 (cited by ClinPGx and Athena Diagnostics); PubMed 9470816 (cited by 3 submitters); PubMed 9472650 (cited by ClinPGx); PubMed 17000685 (cited by ClinPGx and Athena Diagnostics); PubMed 17203168 (cited by ClinPGx and Athena Diagnostics); PubMed 20507294 (cited by ClinPGx); PubMed 21498394 (cited by ClinPGx and Athena Diagnostics); PubMed 24590654 (cited by ClinPGx and Athena Diagnostics); PubMed 24647007 (cited by ClinPGx and Athena Diagnostics); PubMed 27454530 (cited by ClinPGx and Athena Diagnostics); PubMed 27864592 (cited by ClinPGx and Athena Diagnostics); PubMed 28481884 (cited by ClinPGx and Athena Diagnostics); PubMed 28950804 (cited by ClinPGx); PubMed 31382864 (cited by ClinPGx); PubMed 10071185 (cited by 3 submitters); PubMed 10803677 (cited by ClinPGx and Athena Diagnostics); PubMed 11895907 (cited by 7 submitters); PubMed 11988088 (cited by ClinPGx and Athena Diagnostics); PubMed 16151913 (cited by ClinPGx and Athena Diagnostics); PubMed 18600527 (cited by ClinPGx and Athena Diagnostics); PubMed 23328581 (cited by 5 submitters); PubMed 25410891 (cited by ClinPGx and Athena Diagnostics); PubMed 26216193 (cited by ClinPGx and Athena Diagnostics); PubMed 26804652 (cited by ClinPGx and Athena Diagnostics); PubMed 28295243 (cited by ClinPGx and Athena Diagnostics); PubMed 28929491 (cited by 4 submitters); PubMed 31745289 (cited by ClinPGx); PubMed 9323575 (cited by ClinPGx); PubMed 21410976 (cited by ClinPGx); PubMed 8892022 (cited by 8 submitters); PubMed 38084968 (cited by Neuberg Centre For Genomic Medicine, NCGM); PubMed 24648345 (cited by Neuberg Centre For Genomic Medicine, NCGM and Athena Diagnostics); PubMed 25590979 (cited by 3 submitters); PubMed 23335937 (cited by Athena Diagnostics and Eurofins Ntd Llc (ga)); PubMed 26265035 (cited by Athena Diagnostics); PubMed 25677447 (cited by Athena Diagnostics); PubMed 7832988 (cited by Athena Diagnostics and OMIM); PubMed 29152729 (cited by Athena Diagnostics); PubMed 15858133 (cited by Athena Diagnostics); PubMed 10657402 (cited by Athena Diagnostics); PubMed 21723269 (cited by Athena Diagnostics); PubMed 12912951 (cited by Athena Diagnostics); PubMed 30348537 (cited by Athena Diagnostics); PubMed 22339448 (cited by Illumina Laboratory Services, Illumina); PubMed 21919607 (cited by Women's Health and Genetics/Laboratory Corporation of America, LabCorp); PubMed 8051923 (cited by OMIM); PubMed 9686374 (cited by OMIM).